The following is an entry in ClinVar:

ClinVar aggregate classification (germline): Uncertain significance. Review status: criteria provided, multiple submitters, no conflicts (2 of 4 stars). 4 submissions from 4 submitters: Uncertain significance (4). Last evaluated 2024-11-10.

Conditions:
Hereditary cancer-predisposing syndrome. Also called: Hereditary neoplastic syndrome; Neoplastic Syndromes, Hereditary; Hereditary Cancer Syndrome; Tumor predisposition. Identifiers: Orphanet 140162, MedGen C0027672, MeSH D009386, MONDO:0015356.
Juvenile polyposis syndrome (JPS). Identifiers: Orphanet 2929, MedGen C0345893, MONDO:0017380, OMIM 174900.

Allele frequency attached by ClinVar (database versions not stated): gnomAD exomes below 0.00001.
gnomAD v4.1: 2 of 1,614,216 alleles (0.00012%); highest among the groups gnomAD compares: Non-Finnish European, 0.00017%; no homozygotes.

Submissions (4):

Labcorp Genetics (formerly Invitae), Labcorp
Classification: Uncertain significance for Juvenile polyposis syndrome. Last evaluated: 2024-11-10. Review status: criteria provided, single submitter. Criteria: Invitae Variant Classification Sherloc (09022015). Collection method: clinical testing. Allele origin: germline.
Comment: This sequence change replaces alanine, which is neutral and non-polar, with valine, which is neutral and non-polar, at codon 441 of the BMPR1A protein (p.Ala441Val). This variant is not present in population databases (gnomAD no frequency). This variant has not been reported in the literature in individuals affected with BMPR1A-related conditions. ClinVar contains an entry for this variant (Variation ID: 581191). Invitae Evidence Modeling of protein sequence and biophysical properties (such as structural, functional, and spatial information, amino acid conservation, physicochemical variation, residue mobility, and thermodynamic stability) has been performed for this missense variant. However, the output from this modeling did not meet the statistical confidence thresholds required to predict the impact of this variant on BMPR1A protein function. In summary, the available evidence is currently insufficient to determine the role of this variant in disease. Therefore, it has been classified as a Variant of Uncertain Significance.

All of Us Research Program, National Institutes of Health
Classification: Uncertain significance for Juvenile polyposis syndrome. Last evaluated: 2024-02-22. Review status: criteria provided, single submitter. Criteria: ACMG Guidelines, 2015. Collection method: clinical testing. Allele origin: germline. Inheritance: Autosomal dominant inheritance. Observed: 2 variant alleles, 2 heterozygotes.
Comment: This missense variant replaces alanine with valine at codon 441 of the BMPR1A protein. Computational prediction suggests that this variant may not impact protein structure and function (internally defined REVEL score threshold <= 0.5, PMID: 27666373). To our knowledge, functional studies have not been reported for this variant. This variant has not been reported in individuals affected with BMPR1A-related disorders in the literature. This variant has not been identified in the general population by the Genome Aggregation Database (gnomAD). The available evidence is insufficient to determine the role of this variant in disease conclusively. Therefore, this variant is classified as a Variant of Uncertain Significance.

This study involves interpretation of variants in research participants for the purpose of population health screening. Participant phenotype was not available at the time of variant classification. Additional details can be found in publication PMID: 35346344, PMCID: PMC8962531

Blueprint Genetics
Classification: Uncertain significance. Last evaluated: 2023-04-16. Review status: criteria provided, single submitter. Criteria: ACMG Guidelines, 2015. Collection method: clinical testing. Allele origin: germline.

Ambry Genetics
Classification: Uncertain significance for Hereditary cancer-predisposing syndrome. Last evaluated: 2023-01-12. Review status: criteria provided, single submitter. Criteria: Ambry Variant Classification Scheme 2023. Collection method: clinical testing. Allele origin: germline.
Comment: The p.A441V variant (also known as c.1322C>T), located in coding exon 9 of the BMPR1A gene, results from a C to T substitution at nucleotide position 1322. The alanine at codon 441 is replaced by valine, an amino acid with similar properties. This amino acid position is conserved. In addition, the in silico prediction for this alteration is inconclusive. Since supporting evidence is limited at this time, the clinical significance of this alteration remains unclear.

NM_004329.3(BMPR1A):c.1322C>T (p.Ala441Val)

Gene: BMPR1A (bone morphogenetic protein receptor type 1A; plus strand). Cytogenetic location: 10q23.2.
Variant type: single nucleotide variant.
Coding change: c.1322C>T on transcript NM_004329.3 (MANE Select); coding-DNA position 1322, C replaced by T.
Protein change: p.Ala441Val; replaces alanine 441 with valine.
Molecular consequence: missense variant.
Genome position (GRCh38, 1-based): chr10:86,921,675, C>T. VCF-style: chr10-86921675-C-T. GRCh37 (hg19) VCF-style: chr10-88681432-C-T.
Other names: short protein forms A441V.
Identifiers: ClinVar variation 581191 (VCV000581191.13), dbSNP rs1564725059, ClinGen allele CA377462408.
Genomic context (GRCh38, chr10:86,921,675, plus strand): 5'-ACTTCCAGCCCTACATCATGGCTGACATCTACAGCTTCGGCCTAATCATTTGGGAGATGG[C>T]TCGTCGTTGTATCACAGGAGGTGGGAGTTTGAGTAGTTTCTGATTATGTTGATTTACTCA-3'
Protein context (NP_004320.2, residues 431-451): YSFGLIIWEM[Ala441Val]RRCITGGIVE